The following is an entry in ClinVar:

ClinVar aggregate classification (germline): Uncertain significance. Review status: criteria provided, multiple submitters, no conflicts (2 of 4 stars). 3 submissions from 3 submitters: Uncertain significance (3). Last evaluated 2025-08-25.

Allele frequency attached by ClinVar (database versions not stated): ExAC 0.00001; TOPMed 0.00002; gnomAD 0.00003 and 0.00002; gnomAD exomes 0.00001.
gnomAD v4.1: 22 of 1,614,054 alleles (0.0014%); highest among the groups gnomAD compares: East Asian, 0.011%; no homozygotes.

Submissions (3):

Labcorp Genetics (formerly Invitae), Labcorp
Classification: Uncertain significance. Last evaluated: 2025-08-25. Review status: criteria provided, single submitter. Criteria: Invitae Variant Classification Sherloc (09022015). Collection method: clinical testing. Allele origin: germline.
Comment: This sequence change replaces valine, which is neutral and non-polar, with isoleucine, which is neutral and non-polar, at codon 131 of the FZD4 protein (p.Val131Ile). This variant is present in population databases (rs775174655, gnomAD 0.007%). This variant has not been reported in the literature in individuals affected with FZD4-related conditions. ClinVar contains an entry for this variant (Variation ID: 967755). Invitae Evidence Modeling of protein sequence and biophysical properties (such as structural, functional, and spatial information, amino acid conservation, physicochemical variation, residue mobility, and thermodynamic stability) has been performed for this missense variant. However, the output from this modeling did not meet the statistical confidence thresholds required to predict the impact of this variant on FZD4 protein function. In summary, the available evidence is currently insufficient to determine the role of this variant in disease. Therefore, it has been classified as a Variant of Uncertain Significance.

Blueprint Genetics
Classification: Uncertain significance. Last evaluated: 2022-09-20. Review status: criteria provided, single submitter. Criteria: ACMG Guidelines, 2015. Collection method: clinical testing. Allele origin: germline.

Breakthrough Genomics
Classification: Uncertain significance. Review status: criteria provided, single submitter. Criteria: ACMG Guidelines, 2015. Collection method: not provided. Allele origin: germline. Inheritance: Autosomal dominant inheritance. Affected: yes.

NM_012193.4(FZD4):c.391G>A (p.Val131Ile)

Genes: FZD4 (frizzled class receptor 4; minus strand), PRSS23 (serine protease 23; plus strand). Cytogenetic location: 11q14.2.
Variant type: single nucleotide variant.
Coding change: c.391G>A on transcript NM_012193.4 (MANE Select); coding-DNA position 391, G replaced by A.
Protein change: p.Val131Ile; replaces valine 131 with isoleucine.
Molecular consequence: missense variant. On other transcripts: non-coding transcript variant (2).
Genome position (GRCh38, 1-based): chr11:86,952,365, C>T on the plus strand (G>A on the coding strand, the complement: FZD4 is on the minus strand). VCF-style: chr11-86952365-C-T. GRCh37 (hg19) VCF-style: chr11-86663407-C-T.
Other names: short protein forms V131I.
Identifiers: ClinVar variation 967755 (VCV000967755.11), dbSNP rs775174655, ClinGen allele CA6218461.